The following is an entry in ClinVar:

ClinVar aggregate classification (germline): Pathogenic/Likely pathogenic. Review status: criteria provided, multiple submitters, no conflicts (2 of 4 stars). 2 submissions from 2 submitters: Pathogenic (1); Likely pathogenic (1). Last evaluated 2024-03-01.

Conditions:
Severe myoclonic epilepsy in infancy (DRVT). Also called: Severe Myoclonic Epilepsy in Infancy (SMEI); Dravet syndrome; Epileptic encephalopathy, early infantile, 6 (Dravet syndrome); SEVERE MYOCLONIC EPILEPSY OF INFANCY; DEVELOPMENTAL AND EPILEPTIC ENCEPHALOPATHY 6A. Identifiers: Orphanet 33069, MedGen C0751122, MONDO:0100135, OMIM 607208.
Developmental and epileptic encephalopathy 6B. Also called: Developmental and epileptic encephalopathy 6B, non-Dravet. Identifiers: MedGen C5543353, MONDO:0030268, OMIM 619317.

Submissions (2):

CeGaT Center for Human Genetics Tuebingen
Classification: Pathogenic. Last evaluated: 2024-03-01. Review status: criteria provided, single submitter. Criteria: CeGaT Center For Human Genetics Tuebingen Variant Classification Criteria Version 2. Collection method: clinical testing. Allele origin: germline. Affected: yes. Observed: 1 variant allele.
Comment: SCN1A: PVS1, PM2

Laboratorio de Genetica e Diagnostico Molecular, Hospital Israelita Albert Einstein
Classification: Likely pathogenic for Severe myoclonic epilepsy in infancy; Developmental and epileptic encephalopathy 6B. Last evaluated: 2022-01-24. Review status: criteria provided, single submitter. Criteria: ACMG Guidelines, 2015. Collection method: clinical testing. Allele origin: germline. Affected: yes.
Comment: ACMG classification criteria: PVS1 very strong, PM2 moderate

NM_001165963.4(SCN1A):c.1303del (p.Glu435fs)

Gene: SCN1A (sodium voltage-gated channel alpha subunit 1; minus strand). Cytogenetic location: 2q24.3.
Variant type: Deletion.
Coding change: c.1303del on transcript NM_001165963.4 (MANE Select); coding-DNA position 1303, one base deleted (G; older notation c.1303delG).
Protein change: p.Glu435fs; shifts the reading frame from glutamic acid 435.
Molecular consequence: frameshift variant. On other transcripts: 5 prime UTR variant (1), non-coding transcript variant (1).
Genome position (GRCh38, 1-based): chr2:166,046,844, C deleted on the plus strand (G on the coding strand, the reverse complement: SCN1A is on the minus strand); the first of 2 consecutive C bases (chr2:166,046,844-166,046,845); deleting either gives the same sequence. VCF-style (leftmost placement, unchanged base first): chr2-166046843-TC-T. GRCh37 (hg19) VCF-style: chr2-166903353-TC-T.
Other names: c.1303del, p.Glu435fs (NM_001165964.3, NM_001202435.3, NM_001353948.2 and 10 more transcripts); c.-1123del (NM_001353961.2); short protein forms E435fs.
Identifiers: ClinVar variation 1683549 (VCV001683549.24), dbSNP rs2105861548, ClinGen allele CA2573133544.
Genomic context (GRCh38, chr2:166,046,843, plus strand): 5'-TGTTGCTTTTTAAGCTGTTCAATCATCTGCTGAAATTCGGCCTCTTTCTGTTCTGCTTCT[TC>T]CAAGGTGGCCTGATTCTGTTCCTCGTAGGCCATGGCCACCACAGCCAGGATCAAATTTAT-3'